The following is an entry in ClinVar:

NM_004329.3(BMPR1A):c.658T>C (p.Ser220Pro)

Gene: BMPR1A (bone morphogenetic protein receptor type 1A; plus strand). Cytogenetic location: 10q23.2.
Variant type: single nucleotide variant.
Coding change: c.658T>C on transcript NM_004329.3 (MANE Select); coding-DNA position 658, T replaced by C.
Protein change: p.Ser220Pro; replaces serine 220 with proline.
Molecular consequence: missense variant.
Genome position (GRCh38, 1-based): chr10:86,912,367, T>C. VCF-style: chr10-86912367-T-C. GRCh37 (hg19) VCF-style: chr10-88672124-T-C.
Other names: short protein forms S220P.
Identifiers: ClinVar variation 826498 (VCV000826498.5), dbSNP rs1589288649, ClinGen allele CA377455125.

ClinVar aggregate classification (germline): Uncertain significance (1 of 4 stars; one submission).

Conditions:
Hereditary cancer-predisposing syndrome. Also called: Neoplastic Syndromes, Hereditary; Tumor predisposition; Hereditary neoplastic syndrome; Hereditary Cancer Syndrome. Identifiers: Orphanet 140162, MedGen C0027672, MeSH D009386, MONDO:0015356.

Submission:

Ambry Genetics
Classification: Uncertain significance for Hereditary cancer-predisposing syndrome. Last evaluated: 2023-04-17. Review status: criteria provided, single submitter. Criteria: Ambry Variant Classification Scheme 2023. Collection method: clinical testing. Allele origin: germline.
Comment: The p.S220P variant (also known as c.658T>C), located in coding exon 6 of the BMPR1A gene, results from a T to C substitution at nucleotide position 658. The serine at codon 220 is replaced by proline, an amino acid with similar properties. This amino acid position is highly conserved in available vertebrate species. In addition, this alteration is predicted to be deleterious by in silico analysis. Since supporting evidence is limited at this time, the clinical significance of this alteration remains unclear.